The following is an entry in ClinVar:

ClinVar aggregate classification (germline): Uncertain significance (1 of 4 stars; one submission).

gnomAD v4.1: 23 of 1,614,190 alleles (0.0014%); highest among the groups gnomAD compares: Non-Finnish European, 0.0019%; no homozygotes.

Submission:

Labcorp Genetics (formerly Invitae), Labcorp
Classification: Uncertain significance. Last evaluated: 2022-07-30. Review status: criteria provided, single submitter. Criteria: Invitae Variant Classification Sherloc (09022015). Collection method: clinical testing. Allele origin: germline.
Comment: In summary, the available evidence is currently insufficient to determine the role of this variant in disease. Therefore, it has been classified as a Variant of Uncertain Significance. Algorithms developed to predict the effect of missense changes on protein structure and function are either unavailable or do not agree on the potential impact of this missense change (SIFT: "Deleterious"; PolyPhen-2: "Benign"; Align-GVGD: "Class C0"). This variant has not been reported in the literature in individuals affected with TRPM1-related conditions. This variant is not present in population databases (gnomAD no frequency). This sequence change replaces threonine, which is neutral and polar, with isoleucine, which is neutral and non-polar, at codon 1434 of the TRPM1 protein (p.Thr1434Ile).

NM_001252024.2(TRPM1):c.4367C>T (p.Thr1456Ile)

Gene: TRPM1 (transient receptor potential cation channel subfamily M member 1; minus strand). Cytogenetic location: 15q13.3.
Variant type: single nucleotide variant.
Coding change: c.4367C>T on transcript NM_001252024.2 (MANE Select); coding-DNA position 4367, C replaced by T.
Protein change: p.Thr1456Ile; replaces threonine 1456 with isoleucine.
Molecular consequence: missense variant.
Genome position (GRCh38, 1-based): chr15:31,002,333, G>A on the plus strand (C>T on the coding strand, the complement: TRPM1 is on the minus strand). VCF-style: chr15-31002333-G-A. GRCh37 (hg19) VCF-style: chr15-31294536-G-A.
Other names: c.4418C>T, p.Thr1473Ile (NM_001252020.2); c.4301C>T, p.Thr1434Ile (NM_002420.6); short protein forms T1456I, T1434I, T1473I.
Identifiers: ClinVar variation 1974686 (VCV001974686.5), dbSNP rs61734297, ClinGen allele CA267496624.
Genomic context (GRCh38, chr15:31,002,333, plus strand): 5'-TGGTTAACCCCACCGACCAGCTTTCTTCCCCGGGAATAGACGAAGCTTCTGGACTTCATT[G>A]TTTTACAAGCATTGATCGTTTCATCGGGGAAATAGCGTGTAATTTTGGTTTCTTCCAGGG-3'
Protein context (NP_001238953.1, residues 1446-1466): FPDETINACK[Thr1456Ile]MKSRSFVYSR